The following is an entry in ClinVar:

NM_000138.5(FBN1):c.8616A>T (p.Ter2872Tyr)

Gene: FBN1 (fibrillin 1; minus strand). Cytogenetic location: 15q21.1.
Variant type: single nucleotide variant.
Coding change: c.8616A>T on transcript NM_000138.5 (MANE Select); coding-DNA position 8616, A replaced by T.
Protein change: p.Ter2872Tyr.
Molecular consequence: stop lost.
Genome position (GRCh38, 1-based): chr15:48,410,990, T>A on the plus strand (A>T on the coding strand, the complement: FBN1 is on the minus strand). VCF-style: chr15-48410990-T-A. GRCh37 (hg19) VCF-style: chr15-48703187-T-A.
Other names: c.8616A>T, p.Ter2872Tyr (NM_001406716.1).
Identifiers: ClinVar variation 4885899 (VCV004885899.2).

ClinVar aggregate classification (germline): Uncertain significance (1 of 4 stars; one submission).

Submission:

Dasa
Classification: Uncertain significance. Last evaluated: 2025-04-11. Review status: criteria provided, single submitter. Criteria: DASA Assertion Criteria. Collection method: clinical testing. Allele origin: germline.
Comment: NM_000138.5(FBN1):c.8616A>T (p.*2872Tyrext*9) is a nonsense variant in FBN1 predicted to introduce a premature termination codon. This variant is absent from population databases. The currently available literature and clinical evidence are not sufficient to establish a definitive association between this variant and the reported condition. Therefore, this variant is classified as a variant of uncertain significance.